The following is an entry in ClinVar:

NM_001005361.3(DNM2):c.636G>T (p.Glu212Asp)

Gene: DNM2 (dynamin 2; plus strand). Cytogenetic location: 19p13.2.
Variant type: single nucleotide variant.
Coding change: c.636G>T on transcript NM_001005361.3 (MANE Select); coding-DNA position 636, G replaced by T.
Protein change: p.Glu212Asp; replaces glutamic acid 212 with aspartic acid.
Molecular consequence: missense variant.
Genome position (GRCh38, 1-based): chr19:10,777,164, G>T. VCF-style: chr19-10777164-G-T. GRCh37 (hg19) VCF-style: chr19-10887840-G-T.
Other names: c.636G>T, p.Glu212Asp (NM_001005360.3, NM_001005362.3, NM_001190716.2 and 1 more transcripts); short protein forms E212D.
Identifiers: ClinVar variation 659225 (VCV000659225.11), dbSNP rs542515194, ClinGen allele CA404043382.
Genomic context (GRCh38, chr19:10,777,164, plus strand): 5'-CTGGGCTCTTTCAGGCCTACGGACCATCGGTGTCATCACCAAGCTTGACCTGATGGACGA[G>T]GGCACCGACGCCAGGGACGTCTTGGAGAACAAGTTGCTCCCGTTGAGAAGAGGTGTGGCT-3'
Protein context (NP_001005361.1, residues 202-222): GVITKLDLMD[Glu212Asp]GTDARDVLEN

ClinVar aggregate classification (germline): Uncertain significance. Review status: criteria provided, multiple submitters, no conflicts (2 of 4 stars). 2 submissions from 2 submitters: Uncertain significance (2). Last evaluated 2025-11-11.

Conditions:
Charcot-Marie-Tooth disease dominant intermediate B (CMTDIB). Also called: Charcot-Marie-Tooth disease dominant intermediate 1; CMT DI1; Charcot-Marie-Tooth disease dominant intermediate I; CHARCOT-MARIE-TOOTH NEUROPATHY, DOMINANT INTERMEDIATE B. Identifiers: Orphanet 100044, Orphanet 228179, MedGen C1847902, MONDO:0011674, OMIM 606482.
Inborn genetic diseases. Identifiers: MedGen C0950123, MeSH D030342.

Allele frequency attached by ClinVar (database versions not stated): gnomAD 0.00001.
gnomAD v4.1: 1 of 1,614,104 alleles (0.000062%); no homozygotes.

Submissions (2):

Ambry Genetics
Classification: Uncertain significance for Inborn genetic diseases. Last evaluated: 2025-11-11. Review status: criteria provided, single submitter. Criteria: Ambry Variant Classification Scheme 2023. Collection method: clinical testing. Allele origin: germline.

Labcorp Genetics (formerly Invitae), Labcorp
Classification: Uncertain significance for Charcot-Marie-Tooth disease dominant intermediate B. Last evaluated: 2022-07-30. Review status: criteria provided, single submitter. Criteria: Invitae Variant Classification Sherloc (09022015). Collection method: clinical testing. Allele origin: germline.
Comment: In summary, the available evidence is currently insufficient to determine the role of this variant in disease. Therefore, it has been classified as a Variant of Uncertain Significance. Algorithms developed to predict the effect of missense changes on protein structure and function are either unavailable or do not agree on the potential impact of this missense change (SIFT: "Deleterious"; PolyPhen-2: "Probably Damaging"; Align-GVGD: "Class C15"). This sequence change replaces glutamic acid, which is acidic and polar, with aspartic acid, which is acidic and polar, at codon 212 of the DNM2 protein (p.Glu212Asp). This variant is not present in population databases (gnomAD no frequency). This variant has not been reported in the literature in individuals affected with DNM2-related conditions. This missense change has been observed in at least one individual who was not affected with DNM2-related conditions (Invitae). ClinVar contains an entry for this variant (Variation ID: 659225).